The following is an entry in ClinVar:

ClinVar aggregate classification (germline): Uncertain significance (1 of 4 stars; one submission).

Allele frequency attached by ClinVar (database versions not stated): gnomAD 0.00001; TOPMed 0.00001.
gnomAD v4.1: 30 of 1,614,046 alleles (0.0019%); highest among the groups gnomAD compares: Middle Eastern, 0.033%; 1 homozygote.

Submission:

Labcorp Genetics (formerly Invitae), Labcorp
Classification: Uncertain significance. Last evaluated: 2026-02-01. Review status: criteria provided, single submitter. Criteria: Invitae Variant Classification Sherloc (09022015). Collection method: clinical testing. Allele origin: germline.
Comment: This sequence change replaces arginine, which is basic and polar, with cysteine, which is neutral and slightly polar, at codon 2485 of the COL7A1 protein (p.Arg2485Cys). This variant is present in population databases (no rsID available, gnomAD 0.002%). This variant has not been reported in the literature in individuals affected with COL7A1-related conditions. ClinVar contains an entry for this variant (Variation ID: 2157811). Invitae Evidence Modeling of protein sequence and biophysical properties (such as structural, functional, and spatial information, amino acid conservation, physicochemical variation, residue mobility, and thermodynamic stability) indicates that this missense variant is not expected to disrupt COL7A1 protein function with a negative predictive value of 95%. In summary, the available evidence is currently insufficient to determine the role of this variant in disease. Therefore, it has been classified as a Variant of Uncertain Significance.

NM_000094.4(COL7A1):c.7453C>T (p.Arg2485Cys)

Gene: COL7A1 (collagen type VII alpha 1 chain; minus strand). Cytogenetic location: 3p21.31.
Variant type: single nucleotide variant.
Coding change: c.7453C>T on transcript NM_000094.4 (MANE Select); coding-DNA position 7453, C replaced by T.
Protein change: p.Arg2485Cys; replaces arginine 2485 with cysteine.
Molecular consequence: missense variant.
Genome position (GRCh38, 1-based): chr3:48,570,166, G>A on the plus strand (C>T on the coding strand, the complement: COL7A1 is on the minus strand). VCF-style: chr3-48570166-G-A. GRCh37 (hg19) VCF-style: chr3-48607599-G-A.
Other names: short protein forms R2485C.
Identifiers: ClinVar variation 2157811 (VCV002157811.2), dbSNP rs868422300, ClinGen allele CA73974056.